The following is an entry in ClinVar:

ClinVar aggregate classification (germline): Uncertain significance (1 of 4 stars; one submission).

Allele frequency attached by ClinVar (database versions not stated): gnomAD exomes below 0.00001; ExAC 0.00001; gnomAD 0.00001; TOPMed 0.00001.
gnomAD v4.1: 7 of 1,614,104 alleles (0.00043%); highest among the groups gnomAD compares: East Asian, 0.011%; no homozygotes.

Submission:

Labcorp Genetics (formerly Invitae), Labcorp
Classification: Uncertain significance. Last evaluated: 2022-08-13. Review status: criteria provided, single submitter. Criteria: Invitae Variant Classification Sherloc (09022015). Collection method: clinical testing. Allele origin: germline.
Comment: In summary, the available evidence is currently insufficient to determine the role of this variant in disease. Therefore, it has been classified as a Variant of Uncertain Significance. Algorithms developed to predict the effect of missense changes on protein structure and function are either unavailable or do not agree on the potential impact of this missense change (SIFT: "Deleterious"; PolyPhen-2: "Probably Damaging"; Align-GVGD: "Class C0"). This variant has not been reported in the literature in individuals affected with KIF22-related conditions. This variant is present in population databases (rs748021975, gnomAD 0.03%). This sequence change replaces alanine, which is neutral and non-polar, with valine, which is neutral and non-polar, at codon 310 of the KIF22 protein (p.Ala310Val).

NM_007317.3(KIF22):c.929C>T (p.Ala310Val)

Gene: KIF22 (kinesin family member 22; plus strand). Cytogenetic location: 16p11.2.
Variant type: single nucleotide variant.
Coding change: c.929C>T on transcript NM_007317.3 (MANE Select); coding-DNA position 929, C replaced by T.
Protein change: p.Ala310Val; replaces alanine 310 with valine.
Molecular consequence: missense variant.
Genome position (GRCh38, 1-based): chr16:29,799,433, C>T. VCF-style: chr16-29799433-C-T. GRCh37 (hg19) VCF-style: chr16-29810754-C-T.
Other names: c.725C>T, p.Ala242Val (NM_001256269.2, NM_001256270.1); short protein forms A242V, A310V.
Identifiers: ClinVar variation 2172017 (VCV002172017.4), dbSNP rs748021975, ClinGen allele CA7993116.